The following is an entry in ClinVar:

ClinVar aggregate classification (germline): Conflicting classifications of pathogenicity. Review status: criteria provided, conflicting classifications (1 of 4 stars). 3 submissions from 3 submitters: Uncertain significance (2); Likely benign (1). Last evaluated 2025-07-24.

Conditions:
Hereditary cancer-predisposing syndrome. Also called: Neoplastic Syndromes, Hereditary; Hereditary neoplastic syndrome; Hereditary Cancer Syndrome; Tumor predisposition. Identifiers: Orphanet 140162, MedGen C0027672, MeSH D009386, MONDO:0015356.
Ataxia-telangiectasia syndrome (AT). Also called: Ataxia-telangiectasia, complementation group D; AT, COMPLEMENTATION GROUP C; Ataxia-telangiectasia; Ataxia telangiectasia (A-T); Ataxia-telangiectasia, complementation group E; Cerebello-oculocutaneous telangiectasia. Identifiers: Orphanet 100, MedGen C0004135, MONDO:0008840, OMIM 208900.

Submissions (3):

Color Diagnostics, LLC DBA Color Health
Classification: Likely benign for Hereditary cancer-predisposing syndrome. Last evaluated: 2025-07-24. Review status: criteria provided, single submitter. Criteria: ACMG Guidelines, 2015. Collection method: clinical testing. Allele origin: germline.

Ambry Genetics
Classification: Uncertain significance for Hereditary cancer-predisposing syndrome. Last evaluated: 2025-02-09. Review status: criteria provided, single submitter. Criteria: Ambry Variant Classification Scheme 2023. Collection method: clinical testing. Allele origin: germline.
Comment: The p.V1671I variant (also known as c.5011G>A), located in coding exon 33 of the ATM gene, results from a G to A substitution at nucleotide position 5011. The valine at codon 1671 is replaced by isoleucine, an amino acid with highly similar properties. This amino acid position is conserved. In addition, this alteration is predicted to be tolerated by in silico analysis. Based on the available evidence, the clinical significance of this variant remains unclear.

Labcorp Genetics (formerly Invitae), Labcorp
Classification: Uncertain significance for Ataxia-telangiectasia syndrome. Last evaluated: 2024-04-23. Review status: criteria provided, single submitter. Criteria: Invitae Variant Classification Sherloc (09022015). Collection method: clinical testing. Allele origin: germline.
Comment: This sequence change replaces valine, which is neutral and non-polar, with isoleucine, which is neutral and non-polar, at codon 1671 of the ATM protein (p.Val1671Ile). This variant is not present in population databases (gnomAD no frequency). This variant has not been reported in the literature in individuals affected with ATM-related conditions. ClinVar contains an entry for this variant (Variation ID: 1400789). Algorithms developed to predict the effect of missense changes on protein structure and function output the following: SIFT: "Not Available"; PolyPhen-2: "Benign"; Align-GVGD: "Not Available". The isoleucine amino acid residue is found in multiple mammalian species, which suggests that this missense change does not adversely affect protein function. In summary, the available evidence is currently insufficient to determine the role of this variant in disease. Therefore, it has been classified as a Variant of Uncertain Significance.

NM_000051.4(ATM):c.5011G>A (p.Val1671Ile)

Gene: ATM (ATM serine/threonine kinase; plus strand). Cytogenetic location: 11q22.3.
Variant type: single nucleotide variant.
Coding change: c.5011G>A on transcript NM_000051.4 (MANE Select); coding-DNA position 5011, G replaced by A.
Protein change: p.Val1671Ile; replaces valine 1671 with isoleucine.
Molecular consequence: missense variant.
Genome position (GRCh38, 1-based): chr11:108,299,719, G>A. VCF-style: chr11-108299719-G-A. GRCh37 (hg19) VCF-style: chr11-108170446-G-A.
Other names: c.5011G>A, p.Val1671Ile (NM_001351834.2); c.5011G>A (NM_000051.3); short protein forms V1671I.
Identifiers: ClinVar variation 1400789 (VCV001400789.10), dbSNP rs1057523385, ClinGen allele CA382540024.
Genomic context (GRCh38, chr11:108,299,719, plus strand): 5'-TTTTATGTATGATCTCTTACCTATGACTCTACTGAAATAGAATTTCTATATGTAGAGGCT[G>A]TTGGAAGCTGCTTGGGAGAAGTGGGTCCTATAGATTTCTCTACCATAGCTATACAACATA-3'
Protein context (NP_000042.3, residues 1661-1681): HTGEKEVLEA[Val1671Ile]GSCLGEVGPI